The following is an entry in ClinVar:

ClinVar aggregate classification (germline): Pathogenic (1 of 4 stars; one submission).

Submission:

Labcorp Genetics (formerly Invitae), Labcorp
Classification: Pathogenic. Last evaluated: 2020-05-13. Review status: criteria provided, single submitter. Criteria: Invitae Variant Classification Sherloc (09022015). Collection method: clinical testing. Allele origin: germline.
Comment: This sequence change creates a premature translational stop signal (p.Thr204Tyrfs*11) in the ESCO2 gene. It is expected to result in an absent or disrupted protein product. For these reasons, this variant has been classified as Pathogenic. Loss-of-function variants in ESCO2 are known to be pathogenic (PMID: 15821733, 16380922). This variant has not been reported in the literature in individuals with ESCO2-related conditions. This variant is not present in population databases (ExAC no frequency).

Literature cited by the submitters: PubMed 15821733; PubMed 16380922.

NM_001017420.3(ESCO2):c.609dup (p.Thr204fs)

Gene: ESCO2 (establishment of sister chromatid cohesion N-acetyltransferase 2; plus strand). Cytogenetic location: 8p21.1.
Variant type: Duplication.
Coding change: c.609dup on transcript NM_001017420.3 (MANE Select); coding-DNA position 609, one base duplicated (T; older notation c.609dupT).
Protein change: p.Thr204fs; shifts the reading frame from threonine 204.
Molecular consequence: frameshift variant.
Genome position (GRCh38, 1-based): chr8:27,776,917, T duplicated; the last of 2 consecutive T bases (chr8:27,776,916-27,776,917); duplicating either gives the same sequence. VCF-style (leftmost placement, unchanged base first): chr8-27776915-G-GT. GRCh37 (hg19) VCF-style: chr8-27634432-G-GT.
Other names: short protein forms T204fs.
Identifiers: ClinVar variation 1073383 (VCV001073383.5), dbSNP rs2128951232, ClinGen allele CA2499219215.